The following is an entry in ClinVar:

NM_001999.4(FBN2):c.4133G>A (p.Cys1378Tyr)

Gene: FBN2 (fibrillin 2; minus strand). Cytogenetic location: 5q23.3.
Variant type: single nucleotide variant.
Coding change: c.4133G>A on transcript NM_001999.4 (MANE Select); coding-DNA position 4133, G replaced by A.
Protein change: p.Cys1378Tyr; replaces cysteine 1378 with tyrosine.
Molecular consequence: missense variant.
Genome position (GRCh38, 1-based): chr5:128,333,001, C>T on the plus strand (G>A on the coding strand, the complement: FBN2 is on the minus strand). VCF-style: chr5-128333001-C-T. GRCh37 (hg19) VCF-style: chr5-127668693-C-T.
Other names: short protein forms C1378Y.
Identifiers: ClinVar variation 4857229 (VCV004857229.1).

ClinVar aggregate classification (germline): Pathogenic (1 of 4 stars; one submission).

Conditions:
Congenital contractural arachnodactyly (CCA). Also called: Beals-Hecht syndrome; BEALS SYNDROME; Arthrogryposis, distal, type 9. Identifiers: Orphanet 115, MedGen C0220668, MONDO:0007363, OMIM 121050.

Submission:

Gemeinschaftspraxis fuer Humangenetik Dresden
Classification: Pathogenic for Congenital contractural arachnodactyly. Last evaluated: 2026-02-17. Review status: criteria provided, single submitter. Criteria: ACMG Guidelines, 2015. Collection method: clinical testing. Allele origin: inherited. Inheritance: Autosomal dominant inheritance. Affected: yes. Observed: 1 variant allele, 1 heterozygote.
Comment: The variant c.4133G>A, p.(Cys1378Tyr), has not yet been reported in HGMD 2026.1, gnomAD (v4.1.1), dbSNP (v155) or LOVD (to which we have submitted it). However, the variant c.4132T>A, p.(Cys1378Ser), which is located at the same amino acid position, is already listed as pathogenic in the LOVD database. In silico prediction tools (PolyPhen-2, SIFT, AGVGD, MutationTaster) classify this sequence variant as disease-causing. Phylogenetically, the affected nucleotide and amino acid residue are highly conserved. We detected this mutation in a father and his two children. Used criteria: PS4, PM2, PM5, PP1, PP3, PP4